The following is an entry in ClinVar:

ClinVar aggregate classification (germline): Uncertain significance (1 of 4 stars; one submission).

Submission:

Labcorp Genetics (formerly Invitae), Labcorp
Classification: Uncertain significance. Last evaluated: 2022-07-12. Review status: criteria provided, single submitter. Criteria: Invitae Variant Classification Sherloc (09022015). Collection method: clinical testing. Allele origin: germline.
Comment: This variant, c.5821_5823del, results in the deletion of 1 amino acid(s) of the GPR179 protein (p.Glu1941del), but otherwise preserves the integrity of the reading frame. This variant is present in population databases (rs753481286, gnomAD 0.006%). This variant has not been reported in the literature in individuals affected with GPR179-related conditions. Experimental studies and prediction algorithms are not available or were not evaluated, and the functional significance of this variant is currently unknown. In summary, the available evidence is currently insufficient to determine the role of this variant in disease. Therefore, it has been classified as a Variant of Uncertain Significance.

NM_001004334.4(GPR179):c.5818GAA[1] (p.Glu1941del)

Gene: GPR179 (G protein-coupled receptor 179; minus strand). Cytogenetic location: 17q12.
Variant type: Microsatellite.
Coding change: c.5818GAA[1] on transcript NM_001004334.4 (MANE Select); one copy of the 3-base unit GAA starting at c.5818; the reference has two copies in a row; one copy, 3 bases deleted.
Protein change: p.Glu1941del; deletes glutamic acid 1941.
Molecular consequence: inframe deletion.
Genome position (GRCh38, 1-based): chr17:38,327,746-38,327,748, TTC deleted on the plus strand (GAA on the coding strand, the reverse complement: GPR179 is on the minus strand); deleting any 3 consecutive bases within chr17:38,327,746-38,327,752 gives the same sequence; the position shown is the placement nearest the transcript's 3' end. VCF-style (leftmost placement, unchanged base first): chr17-38327745-ATTC-A. GRCh37 (hg19) VCF-style: chr17-36483628-ATTC-A.
Other names: short protein forms E1941del.
Identifiers: ClinVar variation 1357280 (VCV001357280.3), dbSNP rs753481286, ClinGen allele CA290103316.
Genomic context (GRCh38, chr17:38,327,745, plus strand): 5'-TCTCCCATGGACAGACGGATTGTAGCTCATGGCTTGTTTTTTCCCCATCTTCAGTAGTGA[ATTC>A]TTCTGTGTCTGCAGCTGGAGCTTTTTCTTGGGTTATGTGTTCTGGGAAGGAACCTGTCTT-3'